The following is an entry in ClinVar:

NM_006231.4(POLE):c.5048T>C (p.Leu1683Pro)

Gene: POLE (DNA polymerase epsilon, catalytic subunit; minus strand). Cytogenetic location: 12q24.33.
Variant type: single nucleotide variant.
Coding change: c.5048T>C on transcript NM_006231.4 (MANE Select); coding-DNA position 5048, T replaced by C.
Protein change: p.Leu1683Pro; replaces leucine 1683 with proline.
Molecular consequence: missense variant.
Genome position (GRCh38, 1-based): chr12:132,642,302, A>G on the plus strand (T>C on the coding strand, the complement: POLE is on the minus strand). VCF-style: chr12-132642302-A-G. GRCh37 (hg19) VCF-style: chr12-133218888-A-G.
Other names: short protein forms L1683P.
Identifiers: ClinVar variation 3656886 (VCV003656886.2).

ClinVar aggregate classification (germline): Uncertain significance (1 of 4 stars; one submission).

Submission:

Labcorp Genetics (formerly Invitae), Labcorp
Classification: Uncertain significance. Last evaluated: 2024-06-18. Review status: criteria provided, single submitter. Criteria: Invitae Variant Classification Sherloc (09022015). Collection method: clinical testing. Allele origin: germline.
Comment: This sequence change replaces leucine, which is neutral and non-polar, with proline, which is neutral and non-polar, at codon 1683 of the POLE protein (p.Leu1683Pro). This variant is not present in population databases (gnomAD no frequency). This variant has not been reported in the literature in individuals affected with POLE-related conditions. Advanced modeling of protein sequence and biophysical properties (such as structural, functional, and spatial information, amino acid conservation, physicochemical variation, residue mobility, and thermodynamic stability) performed at Invitae indicates that this missense variant is not expected to disrupt POLE protein function with a negative predictive value of 80%. In summary, the available evidence is currently insufficient to determine the role of this variant in disease. Therefore, it has been classified as a Variant of Uncertain Significance.